The following is an entry in ClinVar:

NM_000059.4(BRCA2):c.2389A>C (p.Lys797Gln)

Gene: BRCA2 (BRCA2 DNA repair associated; plus strand). Cytogenetic location: 13q13.1.
Variant type: single nucleotide variant.
Coding change: c.2389A>C on transcript NM_000059.4 (MANE Select); coding-DNA position 2389, A replaced by C.
Protein change: p.Lys797Gln; replaces lysine 797 with glutamine.
Molecular consequence: missense variant.
Genome position (GRCh38, 1-based): chr13:32,336,744, A>C. VCF-style: chr13-32336744-A-C. GRCh37 (hg19) VCF-style: chr13-32910881-A-C.
Other names: short protein forms K797Q.
Identifiers: ClinVar variation 142813 (VCV000142813.22), dbSNP rs587782737, ClinGen allele CA015097.

ClinVar aggregate classification (germline): Conflicting classifications of pathogenicity. Review status: criteria provided, conflicting classifications (1 of 4 stars). 6 submissions from 6 submitters: Uncertain significance (5); Likely benign (1). Last evaluated 2025-12-26.

Conditions:
BRCA2-related disorder. Also called: BRCA2-related condition; BRCA2-related disorders. Identifiers: MedGen CN239275.
Hereditary cancer-predisposing syndrome. Also called: Neoplastic Syndromes, Hereditary; Hereditary neoplastic syndrome; Tumor predisposition; Hereditary Cancer Syndrome. Identifiers: Orphanet 140162, MedGen C0027672, MeSH D009386, MONDO:0015356.
Hereditary breast ovarian cancer syndrome. Also called: Hereditary breast and/or ovarian cancer syndrome; Hereditary breast and ovarian cancer syndrome; BRCA1- and BRCA2-Associated Hereditary Breast and Ovarian Cancer; Hereditary breast and ovarian cancer; Hereditary breast and ovarian cancer syndrome (HBOC); Breast and ovarian cancer. Identifiers: Orphanet 145, MedGen C0677776, MeSH D061325, MONDO:0003582. Disease mechanism: loss of function.
Breast-ovarian cancer, familial, susceptibility to, 2 (BROVCA2). Also called: BRCA2 Hereditary Breast and Ovarian Cancer. Identifiers: Orphanet 145, MedGen C2675520, MONDO:0012933, OMIM 612555. Disease mechanism: loss of function.

Submissions (6):

Labcorp Genetics (formerly Invitae), Labcorp
Classification: Uncertain significance for Hereditary breast ovarian cancer syndrome. Last evaluated: 2025-12-26. Review status: criteria provided, single submitter. Criteria: Invitae Variant Classification Sherloc (09022015). Collection method: clinical testing. Allele origin: germline.
Comment: This sequence change replaces lysine, which is basic and polar, with glutamine, which is neutral and polar, at codon 797 of the BRCA2 protein (p.Lys797Gln). This variant is not present in population databases (gnomAD no frequency). This missense change has been observed in individual(s) with breast cancer (PMID: 29088781). ClinVar contains an entry for this variant (Variation ID: 142813). Invitae Evidence Modeling of protein sequence and biophysical properties (such as structural, functional, and spatial information, amino acid conservation, physicochemical variation, residue mobility, and thermodynamic stability) indicates that this missense variant is not expected to disrupt BRCA2 protein function with a negative predictive value of 95%. In summary, the available evidence is currently insufficient to determine the role of this variant in disease. Therefore, it has been classified as a Variant of Uncertain Significance.

Ambry Genetics
Classification: Uncertain significance for Hereditary cancer-predisposing syndrome. Last evaluated: 2025-12-18. Review status: criteria provided, single submitter. Criteria: Ambry Variant Classification Scheme 2023. Collection method: clinical testing. Allele origin: germline.
Comment: The p.K797Q variant (also known as c.2389A>C), located in coding exon 10 of the BRCA2 gene, results from an A to C substitution at nucleotide position 2389. The lysine at codon 797 is replaced by glutamine, an amino acid with similar properties. This alteration has been previously reported in 1/453 Chilean breast cancer patients (Alvarez C et al. Oncotarget, 2017 Sep;8:74233-74243). This amino acid position is not well conserved in available vertebrate species. In addition, this alteration is predicted to be tolerated by in silico analysis. Since supporting evidence is limited at this time, the clinical significance of this alteration remains unclear.

Color Diagnostics, LLC DBA Color Health
Classification: Uncertain significance for Hereditary cancer-predisposing syndrome. Last evaluated: 2024-08-20. Review status: criteria provided, single submitter. Criteria: ACMG Guidelines, 2015. Collection method: clinical testing. Allele origin: germline.
Comment: This missense variant replaces lysine with glutamine at codon 797 of the BRCA2 protein. Computational prediction suggests that this variant may not impact protein structure and function. To our knowledge, functional studies have not been reported for this variant. This variant has been reported in an individual affected with breast cancer (PMID: 29088781). This variant has not been identified in the general population by the Genome Aggregation Database (gnomAD). The available evidence is insufficient to determine the role of this variant in disease conclusively. Therefore, this variant is classified as a Variant of Uncertain Significance.

University of Washington Department of Laboratory Medicine, University of Washington
Classification: Likely benign for Hereditary cancer-predisposing syndrome. Last evaluated: 2023-03-23. Review status: criteria provided, single submitter. Criteria: Dines et al. (Genet Med. 2020). Collection method: curation. Allele origin: germline.
Comment: Missense variant in a coldspot region where missense variants are very unlikely to be pathogenic (PMID:31911673).

BRCA2 exon 11 coldspot. Reclassification based on statistical prior probability.

All of Us Research Program, National Institutes of Health
Classification: Uncertain significance for Breast-ovarian cancer, familial, susceptibility to, 2. Last evaluated: 2022-12-16. Review status: criteria provided, single submitter. Criteria: ACMG Guidelines, 2015. Collection method: clinical testing. Allele origin: germline. Inheritance: Autosomal dominant inheritance. Observed: 1 variant allele, 1 heterozygote.
Comment: This study involves interpretation of variants in research participants for the purpose of population health screening. Participant phenotype was not available at the time of variant classification. Additional details can be found in publication PMID: 35346344, PMCID: PMC8962531

Women's Health and Genetics/Laboratory Corporation of America, LabCorp
Classification: Uncertain significance. Last evaluated: 2018-06-14. Review status: criteria provided, single submitter. Criteria: LabCorp Variant Classification Summary - May 2015. Collection method: clinical testing. Allele origin: germline.
Comment: Variant summary: BRCA2 c.2389A>C (p.Lys797Gln) results in a conservative amino acid change in the encoded protein sequence. Four of five in-silico tools predict a benign effect of the variant on protein function. The variant was absent in 245508 control chromosomes (gnomAD). The available data on variant occurrences in the general population are insufficient to allow any conclusion about variant significance. The variant, c.2389A>C, has been reported in the literature in an individual affected with Hereditary Breast and Ovarian Cancer (Alvarez_2017). This report does not provide an unequivocal conclusion about association of the variant with Hereditary Breast and Ovarian Cancer. To our knowledge, no experimental evidence demonstrating an impact on protein function has been reported. A ClinVar submission from a clinical diagnostic laboratory (evaluation after 2014) cites the variant as uncertain significance. Based on the evidence outlined above, the variant was classified as uncertain significance.

Literature cited by the submitters: PubMed 29088781 (cited by 4 submitters).